The following is an entry in ClinVar:

ClinVar aggregate classification (germline): Uncertain significance (1 of 4 stars; one submission).

Conditions:
Hereditary spastic paraplegia 11. Also called: Spastic Paraplegia 11; Nakamura Osame syndrome; Autosomal recessive hereditary spastic paraplegia, mental impairment, and thin corpus callosum; SPASTIC PARAPLEGIA, AUTOSOMAL RECESSIVE, COMPLICATED, WITH THIN CORPUS CALLOSUM; SPASTIC PARAPLEGIA, AUTOSOMAL RECESSIVE, WITH MENTAL IMPAIRMENT AND THIN CORPUS CALLOSUM; Spastic paraplegia, mental retardation and thin corpus callosum. Identifiers: Orphanet 2822, MedGen C1858479, MONDO:0011445, OMIM 604360.

Allele frequency attached by ClinVar (database versions not stated): gnomAD exomes below 0.00001 and 0.00002; TOPMed below 0.00001; ExAC 0.00001.

Submission:

Labcorp Genetics (formerly Invitae), Labcorp
Classification: Uncertain significance for Hereditary spastic paraplegia 11. Last evaluated: 2021-11-03. Review status: criteria provided, single submitter. Criteria: Invitae Variant Classification Sherloc (09022015). Collection method: clinical testing. Allele origin: germline.
Comment: This sequence change replaces glutamic acid, which is acidic and polar, with glycine, which is neutral and non-polar, at codon 1707 of the SPG11 protein (p.Glu1707Gly). This variant is present in population databases (rs747956329, gnomAD 0.006%). This variant has not been reported in the literature in individuals affected with SPG11-related conditions. Algorithms developed to predict the effect of missense changes on protein structure and function are either unavailable or do not agree on the potential impact of this missense change (SIFT: "Deleterious"; PolyPhen-2: "Benign"; Align-GVGD: "Class C0"). Algorithms developed to predict the effect of sequence changes on RNA splicing suggest that this variant may disrupt the consensus splice site. In summary, the available evidence is currently insufficient to determine the role of this variant in disease. Therefore, it has been classified as a Variant of Uncertain Significance.

NM_025137.4(SPG11):c.5120A>G (p.Glu1707Gly)

Gene: SPG11 (SPG11 vesicle trafficking associated, spatacsin; minus strand). Cytogenetic location: 15q21.1.
Variant type: single nucleotide variant.
Coding change: c.5120A>G on transcript NM_025137.4 (MANE Select); coding-DNA position 5120, A replaced by G.
Protein change: p.Glu1707Gly; replaces glutamic acid 1707 with glycine.
Molecular consequence: missense variant.
Genome position (GRCh38, 1-based): chr15:44,585,637, T>C on the plus strand (A>G on the coding strand, the complement: SPG11 is on the minus strand). VCF-style: chr15-44585637-T-C. GRCh37 (hg19) VCF-style: chr15-44877835-T-C.
Other names: c.5120A>G, p.Glu1707Gly (NM_001160227.2); short protein forms E1707G.
Identifiers: ClinVar variation 1468028 (VCV001468028.3), dbSNP rs747956329, ClinGen allele CA7534495.